The following is an entry in ClinVar:

NM_001394998.1(TANC2):c.4781A>G (p.Gln1594Arg)

Gene: TANC2 (tetratricopeptide repeat, ankyrin repeat and coiled-coil containing 2; plus strand). Cytogenetic location: 17q23.3.
Variant type: single nucleotide variant.
Coding change: c.4781A>G on transcript NM_001394998.1 (MANE Select); coding-DNA position 4781, A replaced by G.
Protein change: p.Gln1594Arg; replaces glutamine 1594 with arginine.
Molecular consequence: missense variant.
Genome position (GRCh38, 1-based): chr17:63,420,511, A>G. VCF-style: chr17-63420511-A-G. GRCh37 (hg19) VCF-style: chr17-61497872-A-G.
Other names: c.4559A>G, p.Gln1520Arg (NM_001411076.1); c.4529A>G, p.Gln1510Arg (NM_025185.4); short protein forms Q1510R, Q1520R, Q1594R.
Identifiers: ClinVar variation 2497998 (VCV002497998.1), dbSNP rs2510594411, ClinGen allele CA400542478.
Genomic context (GRCh38, chr17:63,420,511, plus strand): 5'-CTCCAACTCATCAGAACTCACATTACAGGCCTAGCCCACCACACACTTCCCCGGCTCATC[A>G]GGGAGGATCTTACCGTTTCAGCCCCCCTCCTGTGGGAGGACAGGGCAAAGAATACCCAAG-3'
Protein context (NP_001381927.1, residues 1584-1604): PSPPHTSPAH[Gln1594Arg]GGSYRFSPPP

ClinVar aggregate classification (germline): Uncertain significance (1 of 4 stars; one submission).

Submission:

GeneDx
Classification: Uncertain significance. Last evaluated: 2022-10-04. Review status: criteria provided, single submitter. Criteria: GeneDx Variant Classification Process June 2021. Collection method: clinical testing. Allele origin: germline. Affected: yes.
Comment: Not observed at significant frequency in large population cohorts (gnomAD); In silico analysis supports that this missense variant does not alter protein structure/function; Has not been previously published as pathogenic or benign to our knowledge